The following is an entry in ClinVar:

NM_001370259.2(MEN1):c.1069G>A (p.Asp357Asn)

Gene: MEN1 (menin 1; minus strand). Cytogenetic location: 11q13.1.
Variant type: single nucleotide variant.
Coding change: c.1069G>A on transcript NM_001370259.2 (MANE Select); coding-DNA position 1069, G replaced by A.
Protein change: p.Asp357Asn; replaces aspartic acid 357 with asparagine.
Molecular consequence: missense variant.
Genome position (GRCh38, 1-based): chr11:64,805,751, C>T on the plus strand (G>A on the coding strand, the complement: MEN1 is on the minus strand). VCF-style: chr11-64805751-C-T. GRCh37 (hg19) VCF-style: chr11-64573223-C-T.
Other names: c.1084G>A, p.Asp362Asn (NM_000244.4, NM_130800.3, NM_130801.3 and 3 more transcripts); c.1195G>A, p.Asp399Asn (NM_001370251.2); c.1069G>A, p.Asp357Asn (NM_001370260.2, NM_001370261.2, NM_130799.3); c.964G>A, p.Asp322Asn (NM_001370262.2, NM_001370263.2); short protein forms D357N, D399N, D322N, D362N.
Identifiers: ClinVar variation 640854 (VCV000640854.8), dbSNP rs768448073, ClinGen allele CA059898.

ClinVar aggregate classification (germline): Uncertain significance (1 of 4 stars; one submission).

Conditions:
Multiple endocrine neoplasia, type 1 (MEN1). Also called: MEA I; MEN I; WERMER SYNDROME; Endocrine adenomatosis multiple; MEN 1. Identifiers: Orphanet 652, MedGen C0025267, MeSH D018761, MONDO:0007540, OMIM 131100.

Allele frequency attached by ClinVar (database versions not stated): gnomAD exomes below 0.00001; ExAC 0.00001.

Submission:

Labcorp Genetics (formerly Invitae), Labcorp
Classification: Uncertain significance for Multiple endocrine neoplasia, type 1. Last evaluated: 2024-08-05. Review status: criteria provided, single submitter. Criteria: Invitae Variant Classification Sherloc (09022015). Collection method: clinical testing. Allele origin: germline.
Comment: This sequence change replaces aspartic acid, which is acidic and polar, with asparagine, which is neutral and polar, at codon 357 of the MEN1 protein (p.Asp357Asn). This variant is present in population databases (rs768448073, gnomAD 0.0009%). This variant has not been reported in the literature in individuals affected with MEN1-related conditions. ClinVar contains an entry for this variant (Variation ID: 640854). Advanced modeling of protein sequence and biophysical properties (such as structural, functional, and spatial information, amino acid conservation, physicochemical variation, residue mobility, and thermodynamic stability) performed at Invitae indicates that this missense variant is expected to disrupt MEN1 protein function with a positive predictive value of 95%. In summary, the available evidence is currently insufficient to determine the role of this variant in disease. Therefore, it has been classified as a Variant of Uncertain Significance.